The following is an entry in ClinVar:

ClinVar aggregate classification (germline): Pathogenic (1 of 4 stars; one submission).

Conditions:
Peroxisome biogenesis disorder. Identifiers: Orphanet 79189, MedGen C1832200, MONDO:0019234. Disease mechanism: loss of function.

Submission:

Labcorp Genetics (formerly Invitae), Labcorp
Classification: Pathogenic for Peroxisome biogenesis disorder. Last evaluated: 2025-11-28. Review status: criteria provided, single submitter. Criteria: Invitae Variant Classification Sherloc (09022015). Collection method: clinical testing. Allele origin: germline.
Comment: This sequence change creates a premature translational stop signal (p.Arg349Glyfs*2) in the PEX6 gene. It is expected to result in an absent or disrupted protein product. Loss-of-function variants in PEX6 are known to be pathogenic (PMID: 10408779, 21031596, 31831025). This variant is not present in population databases (gnomAD no frequency). This variant has not been reported in the literature in individuals affected with PEX6-related conditions. For these reasons, this variant has been classified as Pathogenic.

Literature cited by the submitters: PubMed 10408779; PubMed 21031596; PubMed 31831025.

NM_000287.4(PEX6):c.1041del (p.Arg349fs)

Gene: PEX6 (peroxisomal biogenesis factor 6; minus strand). Cytogenetic location: 6p21.1.
Variant type: Deletion.
Coding change: c.1041del on transcript NM_000287.4 (MANE Select); coding-DNA position 1041, one base deleted (A; older notation c.1041delA).
Protein change: p.Arg349fs; shifts the reading frame from arginine 349.
Molecular consequence: frameshift variant. On other transcripts: non-coding transcript variant (1).
Genome position (GRCh38, 1-based): chr6:42,974,880, T deleted on the plus strand (A on the coding strand, the reverse complement: PEX6 is on the minus strand). VCF-style (leftmost placement, unchanged base first): chr6-42974879-GT-G. GRCh37 (hg19) VCF-style: chr6-42942617-GT-G.
Other names: c.777del, p.Arg261fs (NM_001316313.2); short protein forms R349fs, R261fs.
Identifiers: ClinVar variation 4732186 (VCV004732186.1).